The following is an entry in ClinVar:

ClinVar aggregate classification (germline): Uncertain significance (1 of 4 stars; one submission).

Submission:

Labcorp Genetics (formerly Invitae), Labcorp
Classification: Uncertain significance. Last evaluated: 2023-05-23. Review status: criteria provided, single submitter. Criteria: Invitae Variant Classification Sherloc (09022015). Collection method: clinical testing. Allele origin: germline.
Comment: This sequence change replaces aspartic acid, which is acidic and polar, with glutamic acid, which is acidic and polar, at codon 4391 of the FAT4 protein (p.Asp4391Glu). This variant is present in population databases (no rsID available, gnomAD 0.007%). This variant has not been reported in the literature in individuals affected with FAT4-related conditions. Advanced modeling of protein sequence and biophysical properties (such as structural, functional, and spatial information, amino acid conservation, physicochemical variation, residue mobility, and thermodynamic stability) performed at Invitae indicates that this missense variant is not expected to disrupt FAT4 protein function. In summary, the available evidence is currently insufficient to determine the role of this variant in disease. Therefore, it has been classified as a Variant of Uncertain Significance.

NM_001291303.3(FAT4):c.13179T>A (p.Asp4393Glu)

Gene: FAT4 (FAT atypical cadherin 4; plus strand). Cytogenetic location: 4q28.1.
Variant type: single nucleotide variant.
Coding change: c.13179T>A on transcript NM_001291303.3 (MANE Select); coding-DNA position 13179, T replaced by A.
Protein change: p.Asp4393Glu; replaces aspartic acid 4393 with glutamic acid.
Molecular consequence: missense variant.
Genome position (GRCh38, 1-based): chr4:125,489,995, T>A. VCF-style: chr4-125489995-T-A. GRCh37 (hg19) VCF-style: chr4-126411150-T-A.
Other names: c.13176T>A, p.Asp4392Glu (NM_001291285.3); c.13173T>A, p.Asp4391Glu (NM_024582.6); short protein forms D4391E, D4393E, D4392E.
Identifiers: ClinVar variation 2998379 (VCV002998379.1), dbSNP rs376657630, ClinGen allele CA358135840.